The following is an entry in ClinVar:

ClinVar aggregate classification (germline): Benign/Likely benign. Review status: criteria provided, multiple submitters, no conflicts (2 of 4 stars). 3 submissions from 3 submitters: Benign (1); Likely benign (2). Last evaluated 2024-12-30.

Conditions:
Lynch syndrome 5 (LYNCH5). Also called: Colorectal cancer, hereditary nonpolyposis, type 5; Hereditary non-polyposis colorectal cancer, type 5. Identifiers: Orphanet 144, MedGen C1833477, MONDO:0013710, OMIM 614350. Disease mechanism: loss of function.
Hereditary cancer-predisposing syndrome. Also called: Tumor predisposition; Neoplastic Syndromes, Hereditary; Hereditary Cancer Syndrome; Hereditary neoplastic syndrome. Identifiers: Orphanet 140162, MedGen C0027672, MeSH D009386, MONDO:0015356.
Hereditary nonpolyposis colorectal neoplasms. Identifiers: MedGen C0009405, MeSH D003123.

gnomAD v4.1: 1 of 1,614,170 alleles (0.000062%); highest among the groups gnomAD compares: Non-Finnish European, 0.000085%; no homozygotes.

Submissions (3):

Myriad Genetics, Inc.
Classification: Benign for Lynch syndrome 5. Last evaluated: 2024-12-30. Review status: criteria provided, single submitter. Criteria: Myriad Autosomal Dominant, Autosomal Recessive and X-Linked Classification Criteria (2023). Collection method: clinical testing. Allele origin: unknown.
Comment: This variant is considered benign. This variant is a silent/synonymous amino acid change and it is not expected to impact splicing.

Ambry Genetics
Classification: Likely benign for Hereditary cancer-predisposing syndrome. Last evaluated: 2020-10-01. Review status: criteria provided, single submitter. Criteria: Ambry Variant Classification Scheme 2023. Collection method: clinical testing. Allele origin: germline.

Labcorp Genetics (formerly Invitae), Labcorp
Classification: Likely benign for Hereditary nonpolyposis colorectal neoplasms. Last evaluated: 2018-04-21. Review status: criteria provided, single submitter. Criteria: Invitae Variant Classification Sherloc (09022015). Collection method: clinical testing. Allele origin: germline.

NM_000179.3(MSH6):c.2145C>T (p.Asp715=)

Gene: MSH6 (mutS homolog 6; plus strand). Cytogenetic location: 2p16.3.
Variant type: single nucleotide variant.
Coding change: c.2145C>T on transcript NM_000179.3 (MANE Select); coding-DNA position 2145, C replaced by T.
Protein change: p.Asp715=; no amino-acid change (aspartic acid 715 retained).
Molecular consequence: synonymous variant.
Genome position (GRCh38, 1-based): chr2:47,800,128, C>T. VCF-style: chr2-47800128-C-T. GRCh37 (hg19) VCF-style: chr2-48027267-C-T.
Other names: c.1755C>T, p.Asp585= (NM_001281492.2); c.1239C>T, p.Asp413= (NM_001281493.2, NM_001281494.2).
Identifiers: ClinVar variation 758612 (VCV000758612.11), dbSNP rs1221484522, ClinGen allele CA426121578.
Genomic context (GRCh38, chr2:47,800,128, plus strand): 5'-TATTGATCAGGAGCTTTTATCAATGGCTAATTTTGAAGAATATATTCCCTTGGATTCTGA[C>T]ACAGTCAGCACTACAAGATCTGGTGCTATCTTCACCAAAGCCTATCAACGAATGGTGCTA-3'
Protein context (NP_000170.1, residues 705-725): NFEEYIPLDS[Asp715=]TVSTTRSGAI